The following is an entry in ClinVar:

ClinVar aggregate classification (germline): Uncertain significance. Review status: criteria provided, multiple submitters, no conflicts (2 of 4 stars). 2 submissions from 2 submitters: Uncertain significance (2). Last evaluated 2025-05-14.

Conditions:
Inborn genetic diseases. Identifiers: MedGen C0950123, MeSH D030342.

Allele frequency attached by ClinVar (database versions not stated): TOPMed 0.00009; ESP Exome Variant Server 0.00031; gnomAD 0.00013; ExAC 0.00016.
gnomAD v4.1: 236 of 1,606,132 alleles (0.015%); highest among the groups gnomAD compares: Non-Finnish European, 0.019%; no homozygotes.

Submissions (2):

Ambry Genetics
Classification: Uncertain significance for Inborn genetic diseases. Last evaluated: 2025-05-14. Review status: criteria provided, single submitter. Criteria: Ambry Variant Classification Scheme 2023. Collection method: clinical testing. Allele origin: germline.

Labcorp Genetics (formerly Invitae), Labcorp
Classification: Uncertain significance. Last evaluated: 2022-07-25. Review status: criteria provided, single submitter. Criteria: Invitae Variant Classification Sherloc (09022015). Collection method: clinical testing. Allele origin: germline.
Comment: This sequence change replaces valine, which is neutral and non-polar, with methionine, which is neutral and non-polar, at codon 843 of the PTPN23 protein (p.Val843Met). This variant is present in population databases (rs139305961, gnomAD 0.02%). This variant has not been reported in the literature in individuals affected with PTPN23-related conditions. Algorithms developed to predict the effect of missense changes on protein structure and function output the following: SIFT: "Tolerated"; PolyPhen-2: "Not Available"; Align-GVGD: "Class C0". The methionine amino acid residue is found in multiple mammalian species, which suggests that this missense change does not adversely affect protein function. Algorithms developed to predict the effect of sequence changes on RNA splicing suggest that this variant may create or strengthen a splice site. In summary, the available evidence is currently insufficient to determine the role of this variant in disease. Therefore, it has been classified as a Variant of Uncertain Significance.

NM_015466.4(PTPN23):c.2527G>A (p.Val843Met)

Gene: PTPN23 (protein tyrosine phosphatase non-receptor type 23; plus strand). Cytogenetic location: 3p21.31.
Variant type: single nucleotide variant.
Coding change: c.2527G>A on transcript NM_015466.4 (MANE Select); coding-DNA position 2527, G replaced by A.
Protein change: p.Val843Met; replaces valine 843 with methionine.
Molecular consequence: missense variant.
Genome position (GRCh38, 1-based): chr3:47,410,325, G>A. VCF-style: chr3-47410325-G-A. GRCh37 (hg19) VCF-style: chr3-47451815-G-A.
Other names: c.2149G>A, p.Val717Met (NM_001304482.2); c.2527G>A (NM_015466.2); short protein forms V717M, V843M.
Identifiers: ClinVar variation 2159139 (VCV002159139.4), dbSNP rs139305961, ClinGen allele CA2366069.